The following is an entry in ClinVar:

NM_004183.4(BEST1):c.715-18TCC[9]

Gene: BEST1 (bestrophin 1; plus strand). Cytogenetic location: 11q12.3.
Variant type: Microsatellite.
Coding change: c.715-18TCC[9] on transcript NM_004183.4 (MANE Select); nine copies in a row of the 3-base unit TCC starting at c.715-18; the reference has five copies in a row; four copies, 12 bases duplicated.
Molecular consequence: intron variant.
Genome position (GRCh38, 1-based): chr11:61,958,131-61,958,142, TCCTCCTCCTCC duplicated; duplicating any 12 consecutive bases within chr11:61,958,128-61,958,142 gives the same sequence; the position shown is the placement nearest the transcript's 3' end. VCF-style (leftmost placement, unchanged base first): chr11-61958127-A-ATCCTCCTCCTCC. GRCh37 (hg19) VCF-style: chr11-61725599-A-ATCCTCCTCCTCC.
Other names: c.715-18TCC[9] (NM_001363592.2, NM_001440571.1, NM_001440572.1); c.714+664TCC[9] (NM_001440573.1); c.535-18TCC[9] (NM_001139443.3, NM_001300787.2, NM_001440574.1 and 1 more transcripts); c.534+664TCC[9] (NM_001440575.1, NM_001440576.1); c.-461-18TCC[9] (NM_001363593.3); c.397-18TCC[9] (NM_001363591.3).
Identifiers: ClinVar variation 1148797 (VCV001148797.12), dbSNP rs1805182, ClinGen allele CA599795938.

ClinVar aggregate classification (germline): Likely benign. Review status: criteria provided, multiple submitters, no conflicts (2 of 4 stars). 3 submissions from 3 submitters: Likely benign (2). 1 of the submissions does not count toward it. Last evaluated 2025-12-09.

Conditions:
BEST1-related disorder. Also called: BEST1-related disorders; BEST1-related condition. Identifiers: MedGen CN239200.

Submissions (3):

Labcorp Genetics (formerly Invitae), Labcorp
Classification: Likely benign. Last evaluated: 2025-12-09. Review status: criteria provided, single submitter. Criteria: Invitae Variant Classification Sherloc (09022015). Collection method: clinical testing. Allele origin: germline.

Blueprint Genetics
Classification: Likely benign. Last evaluated: 2024-10-18. Review status: criteria provided, single submitter. Criteria: ACMG Guidelines, 2015. Collection method: clinical testing. Allele origin: germline.

PreventionGenetics, part of Exact Sciences
Classification: Likely benign for BEST1-related condition. Last evaluated: 2022-08-05. Review status: no assertion criteria provided. Collection method: clinical testing. Allele origin: germline. Not counted in ClinVar's aggregate classification.
Comment: This variant is classified as likely benign based on ACMG/AMP sequence variant interpretation guidelines (Richards et al. 2015 PMID: 25741868, with internal and published modifications).